The following is an entry in ClinVar:

NM_004628.5(XPC):c.2496del (p.Ile832fs)

Gene: XPC (XPC complex subunit, DNA damage recognition and repair factor; minus strand). Cytogenetic location: 3p25.1.
Variant type: Deletion.
Coding change: c.2496del on transcript NM_004628.5 (MANE Select); coding-DNA position 2496, one base deleted (T; older notation c.2496delT).
Protein change: p.Ile832fs; shifts the reading frame from isoleucine 832.
Molecular consequence: frameshift variant. On other transcripts: non-coding transcript variant (2).
Genome position (GRCh38, 1-based): chr3:14,147,926, A deleted on the plus strand (T on the coding strand, the reverse complement: XPC is on the minus strand); the first of 2 consecutive A bases (chr3:14,147,926-14,147,927); deleting either gives the same sequence. VCF-style (leftmost placement, unchanged base first): chr3-14147925-CA-C. GRCh37 (hg19) VCF-style: chr3-14189425-CA-C.
Other names: c.1917del, p.Ile639fs (NM_001354726.2); c.2490del, p.Ile830fs (NM_001354727.2); c.2478del, p.Ile826fs (NM_001354729.2); c.2250del, p.Ile750fs (NM_001354730.2); short protein forms I826fs, I832fs, I830fs, I639fs, I750fs.
Identifiers: ClinVar variation 2841591 (VCV002841591.3), dbSNP rs2470222524, ClinGen allele CA2739280087.
Genomic context (GRCh38, chr3:14,147,925, plus strand): 5'-GCTTCCCGCTTCTGCTGTCCCTCAGTCCTGCATATGCGCTTACCTCCTTCTCCTTCCTTT[CA>C]ATGACTGCCTGCTCATTTTCCCAGGCAGTCAGGAGCACGTCTTTGAATTCCTCGCAGACG-3'

ClinVar aggregate classification (germline): Pathogenic (1 of 4 stars; one submission).

Submission:

Labcorp Genetics (formerly Invitae), Labcorp
Classification: Pathogenic. Last evaluated: 2023-06-22. Review status: criteria provided, single submitter. Criteria: Invitae Variant Classification Sherloc (09022015). Collection method: clinical testing. Allele origin: germline.
Comment: For these reasons, this variant has been classified as Pathogenic. This variant has not been reported in the literature in individuals affected with XPC-related conditions. This variant is not present in population databases (gnomAD no frequency). This sequence change creates a premature translational stop signal (p.Ile832Metfs*14) in the XPC gene. It is expected to result in an absent or disrupted protein product. Loss-of-function variants in XPC are known to be pathogenic (PMID: 23173980, 25256075).

Literature cited by the submitters: PubMed 23173980; PubMed 25256075.